The following is an entry in ClinVar:

NM_015512.5(DNAH1):c.6650T>C (p.Leu2217Pro)

Gene: DNAH1 (dynein axonemal heavy chain 1; plus strand). Cytogenetic location: 3p21.1.
Variant type: single nucleotide variant.
Coding change: c.6650T>C on transcript NM_015512.5 (MANE Select); coding-DNA position 6650, T replaced by C.
Protein change: p.Leu2217Pro; replaces leucine 2217 with proline.
Molecular consequence: missense variant.
Genome position (GRCh38, 1-based): chr3:52,372,070, T>C. VCF-style: chr3-52372070-T-C. GRCh37 (hg19) VCF-style: chr3-52406086-T-C.
Other names: short protein forms L2217P.
Identifiers: ClinVar variation 1007000 (VCV001007000.2), dbSNP rs1044027374, ClinGen allele CA74762560.

ClinVar aggregate classification (germline): Uncertain significance (1 of 4 stars; one submission).

Conditions:
Spermatogenic failure 18. Identifiers: MedGen C4539783, MONDO:0054615, OMIM 617576.
Ciliary dyskinesia, primary, 37 (CILD37). Also called: CILIARY DYSKINESIA, PRIMARY, 37, WITH OR WITHOUT SITUS INVERSUS. Identifiers: MedGen C4539798, MONDO:0033204, OMIM 617577.

Allele frequency attached by ClinVar (database versions not stated): gnomAD exomes below 0.00001 and 0.00001; gnomAD 0.00001; TOPMed 0.00003.
gnomAD v4.1: 12 of 1,613,554 alleles (0.00074%); highest among the groups gnomAD compares: Admixed American, 0.0033%; no homozygotes.

Submission:

Labcorp Genetics (formerly Invitae), Labcorp
Classification: Uncertain significance for Ciliary dyskinesia, primary, 37; Spermatogenic failure 18. Last evaluated: 2021-08-31. Review status: criteria provided, single submitter. Criteria: Invitae Variant Classification Sherloc (09022015). Collection method: clinical testing. Allele origin: germline.
Comment: This sequence change replaces leucine with proline at codon 2217 of the DNAH1 protein (p.Leu2217Pro). The leucine residue is moderately conserved and there is a moderate physicochemical difference between leucine and proline. This variant is not present in population databases (ExAC no frequency). This variant has not been reported in the literature in individuals affected with DNAH1-related conditions. Algorithms developed to predict the effect of missense changes on protein structure and function are either unavailable or do not agree on the potential impact of this missense change (SIFT: "Deleterious"; PolyPhen-2: "Probably Damaging"; Align-GVGD: "Class C0"). In summary, the available evidence is currently insufficient to determine the role of this variant in disease. Therefore, it has been classified as a Variant of Uncertain Significance.